The following is an entry in ClinVar:

ClinVar aggregate classification (germline): Uncertain significance. Review status: criteria provided, multiple submitters, no conflicts (2 of 4 stars). 2 submissions from 2 submitters: Uncertain significance (2). Last evaluated 2025-03-30.

gnomAD v4.1: 2 of 1,613,316 alleles (0.00012%); highest among the groups gnomAD compares: Non-Finnish European, 0.000085%; no homozygotes.

Submissions (2):

Labcorp Genetics (formerly Invitae), Labcorp
Classification: Uncertain significance. Last evaluated: 2025-03-30. Review status: criteria provided, single submitter. Criteria: Invitae Variant Classification Sherloc (09022015). Collection method: clinical testing. Allele origin: germline.
Comment: This sequence change replaces leucine, which is neutral and non-polar, with valine, which is neutral and non-polar, at codon 186 of the SLC16A1 protein (p.Leu186Val). This variant is not present in population databases (gnomAD no frequency). This missense change has been observed in individual(s) with infantile hypoglycemia (PMID: 28491926). ClinVar contains an entry for this variant (Variation ID: 3340746). An algorithm developed to predict the effect of missense changes on protein structure and function (PolyPhen-2) suggests that this variant is likely to be disruptive. In summary, the available evidence is currently insufficient to determine the role of this variant in disease. Therefore, it has been classified as a Variant of Uncertain Significance.

GeneDx
Classification: Uncertain significance. Last evaluated: 2024-01-29. Review status: criteria provided, single submitter. Criteria: GeneDx Variant Classification Process June 2021. Collection method: clinical testing. Allele origin: germline. Affected: yes.
Comment: Not observed at significant frequency in large population cohorts (gnomAD); In silico analysis supports that this missense variant has a deleterious effect on protein structure/function; This variant is associated with the following publications: (PMID: 28491926)

Literature cited by the submitters: PubMed 28491926 (cited by Labcorp Genetics (formerly Invitae), Labcorp).

NM_003051.4(SLC16A1):c.556C>G (p.Leu186Val)

Gene: SLC16A1 (solute carrier family 16 member 1; minus strand). Cytogenetic location: 1p13.2.
Variant type: single nucleotide variant.
Coding change: c.556C>G on transcript NM_003051.4 (MANE Select); coding-DNA position 556, C replaced by G.
Protein change: p.Leu186Val; replaces leucine 186 with valine.
Molecular consequence: missense variant.
Genome position (GRCh38, 1-based): chr1:112,917,850, G>C on the plus strand (C>G on the coding strand, the complement: SLC16A1 is on the minus strand). VCF-style: chr1-112917850-G-C. GRCh37 (hg19) VCF-style: chr1-113460472-G-C.
Other names: c.556C>G, p.Leu186Val (NM_001166496.2); short protein forms L186V.
Identifiers: ClinVar variation 3340746 (VCV003340746.2).